The following is an entry in ClinVar:

NM_003821.6(RIPK2):c.310A>G (p.Asn104Asp)

Gene: RIPK2 (receptor interacting serine/threonine kinase 2; plus strand). Cytogenetic location: 8q21.3.
Variant type: single nucleotide variant.
Coding change: c.310A>G on transcript NM_003821.6 (MANE Select); coding-DNA position 310, A replaced by G.
Protein change: p.Asn104Asp; replaces asparagine 104 with aspartic acid.
Molecular consequence: missense variant. On other transcripts: intron variant (1).
Genome position (GRCh38, 1-based): chr8:89,762,965, A>G. VCF-style: chr8-89762965-A-G. GRCh37 (hg19) VCF-style: chr8-90775193-A-G.
Other names: c.-84-2376A>G (NM_001375360.1); short protein forms N104D.
Identifiers: ClinVar variation 2499076 (VCV002499076.28), dbSNP rs200818100, ClinGen allele CA4801894.

ClinVar aggregate classification (germline): Uncertain significance (1 of 4 stars; one submission).

Allele frequency attached by ClinVar (database versions not stated): 1000 Genomes Project 30x 0.00016; 1000 Genomes Project 0.00020; TOPMed 0.00037; gnomAD 0.00042; ExAC 0.00047; ESP Exome Variant Server 0.00054.
gnomAD v4.1: 844 of 1,505,426 alleles (0.056%); highest among the groups gnomAD compares: Non-Finnish European, 0.067%; no homozygotes.

Submission:

CeGaT Center for Human Genetics Tuebingen
Classification: Uncertain significance. Last evaluated: 2023-02-01. Review status: criteria provided, single submitter. Criteria: CeGaT Center For Human Genetics Tuebingen Variant Classification Criteria Version 2. Collection method: clinical testing. Allele origin: germline. Affected: yes. Observed: 2 variant alleles.
Comment: RIPK2: PS3:Supporting